The following is an entry in ClinVar:

NM_000316.3(PTH1R):c.1605_1609dup (p.His537fs)

Gene: PTH1R (parathyroid hormone 1 receptor; plus strand). Cytogenetic location: 3p21.31.
Variant type: Duplication.
Coding change: c.1605_1609dup on transcript NM_000316.3 (MANE Select); coding-DNA positions 1605 to 1609, 5 bases duplicated (TGGCC; older notation c.1605_1609dupTGGCC).
Protein change: p.His537fs; shifts the reading frame from histidine 537.
Molecular consequence: frameshift variant.
Genome position (GRCh38, 1-based): chr3:46,903,479-46,903,483, TGGCC duplicated; duplicating any 5 consecutive bases within chr3:46,903,476-46,903,483 gives the same sequence; the c. name uses the placement nearest the transcript's 3' end. VCF-style (leftmost placement, unchanged base first): chr3-46903475-T-TGCCTG. GRCh37 (hg19) VCF-style: chr3-46944965-T-TGCCTG.
Other names: c.1605_1609dup, p.His537fs (NM_001184744.1); short protein forms H537fs.
Identifiers: ClinVar variation 3377046 (VCV003377046.1).

ClinVar aggregate classification (germline): Uncertain significance (1 of 4 stars; one submission).

Conditions:
Chondrodysplasia Blomstrand type (BOCD). Identifiers: Orphanet 50945, MedGen C1859148, MONDO:0008970, OMIM 215045.

Submission:

Victorian Clinical Genetics Services, Murdoch Childrens Research Institute
Classification: Uncertain significance for Chondrodysplasia Blomstrand type. Last evaluated: 2024-10-09. Review status: criteria provided, single submitter. Criteria: ACMG Guidelines, 2015. Collection method: clinical testing. Allele origin: germline. Inheritance: Autosomal recessive inheritance. Affected: no.
Comment: Based on the classification scheme VCGS_Germline_v1.3.4, this variant is classified as VUS-3B. Following criteria are met: 0103 - Loss of function and gain of function are known mechanisms of disease in this gene (OMIM). Loss of function variants are associated with chondrodysplasia, Blomstrand type (MIM#215045) and primary failure of tooth eruption (MIM#125350). Gain of function variants are associated with Eiken syndrome (MIM#600002) and metaphyseal chondrodysplasia, Murk Jansen type (MIM#156400). 0108 - This gene is associated with both recessive and dominant disease. Chondrodysplasia, Blomstrand type and Eiken syndrome are both inherited in an autosomal recessive manner while primary failure of tooth eruption and metaphyseal chondrodysplasia, Murk Jansen type are associated in an autosomal dominant fashion (OMIM). (I) 0208 - Variant is predicted to result in an elongated protein. (SP) 0252 - This variant is homozygous. (I) 0301 - Variant is absent from gnomAD (both v2 and v3). (SP) 0604 - Variant is not affecting an established domain or motif (DECIPHER). (I) 0705 - No comparable protein extension variants have previous evidence for pathogenicity. (I) 0807 - This variant has no previous evidence of pathogenicity. (I) 0905 - No published segregation evidence has been identified for this variant. (I) 1007 - No published functional evidence has been identified for this variant. (I) 1208 - Inheritance information for this variant is not currently available in this individual. (I) Legend: (SP) - Supporting pathogenic, (I) - Information, (SB) - Supporting benign